The following is an entry in ClinVar:

ClinVar aggregate classification (germline): Uncertain significance (1 of 4 stars; one submission).

Conditions:
Hereditary cancer-predisposing syndrome. Also called: Neoplastic Syndromes, Hereditary; Tumor predisposition; Hereditary Cancer Syndrome; Hereditary neoplastic syndrome. Identifiers: Orphanet 140162, MedGen C0027672, MeSH D009386, MONDO:0015356.

gnomAD v4.1: 8 of 1,613,852 alleles (0.0005%); no homozygotes.

Submission:

Ambry Genetics
Classification: Uncertain significance for Hereditary cancer-predisposing syndrome. Last evaluated: 2025-10-22. Review status: criteria provided, single submitter. Criteria: Ambry Variant Classification Scheme 2023. Collection method: clinical testing. Allele origin: germline.
Comment: The p.A1780T variant (also known as c.5338G>A), located in coding exon 39 of the POLE gene, results from a G to A substitution at nucleotide position 5338. The alanine at codon 1780 is replaced by threonine, an amino acid with similar properties. This amino acid position is conserved. In addition, this alteration is predicted to be tolerated by in silico analysis. Based on the available evidence, the clinical significance of this variant remains unclear.

NM_006231.4(POLE):c.5338G>A (p.Ala1780Thr)

Gene: POLE (DNA polymerase epsilon, catalytic subunit; minus strand). Cytogenetic location: 12q24.33.
Variant type: single nucleotide variant.
Coding change: c.5338G>A on transcript NM_006231.4 (MANE Select); coding-DNA position 5338, G replaced by A.
Protein change: p.Ala1780Thr; replaces alanine 1780 with threonine.
Molecular consequence: missense variant.
Genome position (GRCh38, 1-based): chr12:132,641,687, C>T on the plus strand (G>A on the coding strand, the complement: POLE is on the minus strand). VCF-style: chr12-132641687-C-T. GRCh37 (hg19) VCF-style: chr12-133218273-C-T.
Other names: short protein forms A1780T.
Identifiers: ClinVar variation 4672033 (VCV004672033.1).